The following is an entry in ClinVar:

NM_015102.5(NPHP4):c.1439C>T (p.Ser480Leu)

Gene: NPHP4 (nephrocystin 4; minus strand). Cytogenetic location: 1p36.31.
Variant type: single nucleotide variant.
Coding change: c.1439C>T on transcript NM_015102.5 (MANE Select); coding-DNA position 1439, C replaced by T.
Protein change: p.Ser480Leu; replaces serine 480 with leucine.
Molecular consequence: missense variant. On other transcripts: nonsense (2), non-coding transcript variant (1).
Genome position (GRCh38, 1-based): chr1:5,927,651, G>A on the plus strand (C>T on the coding strand, the complement: NPHP4 is on the minus strand). VCF-style: chr1-5927651-G-A. GRCh37 (hg19) VCF-style: chr1-5987711-G-A.
Other names: c.73C>T, p.Arg25Ter (NM_001291593.2, NM_001291594.2); c.1439C>T (NM_015102.3); c.73C>T (NM_001291594.1); short protein forms S480L, R25*.
Identifiers: ClinVar variation 1472709 (VCV001472709.9), dbSNP rs762305544, ClinGen allele CA554518.
Genomic context (GRCh38, chr1:5,927,651, plus strand): 5'-AGAGATGGAAGTGCTGCCTGCCATGTGCCTGGCCAGTCAGCTCTCTGGAAACACTTACTC[G>A]AAGGGGACGTGGGTGGTTTCCTGGAAGGCCGCCGCTCCACTTTGGGGCCACTGACAGGCT-3'
Protein context (NP_055917.1, residues 470-490): RPSRKPPTSP[Ser480Leu]SPPAPVPRVL

ClinVar aggregate classification (germline): Uncertain significance. Review status: criteria provided, multiple submitters, no conflicts (2 of 4 stars). 5 submissions from 5 submitters: Uncertain significance (5). Last evaluated 2026-08-07.

Conditions:
Inborn genetic diseases. Identifiers: MedGen C0950123, MeSH D030342.
Nephronophthisis. Also called: Juvenile Nephronophthisis. Identifiers: Orphanet 655, MedGen C0687120, MONDO:0019005, HP:0000090.
NPHP4-related disorder. Also called: NPHP4-related disorders; NPHP4-related condition. Identifiers: MedGen CN239384.
Nephronophthisis 4 (NPHP4). Also called: NEPHRONOPHTHISIS 4, JUVENILE. Identifiers: Orphanet 655, MedGen C1847013, MONDO:0011752, OMIM 606966.
Senior-Loken syndrome 4 (SLSN4). Identifiers: Orphanet 3156, MedGen C1846979, MONDO:0011756, OMIM 606996.

Allele frequency attached by ClinVar (database versions not stated): gnomAD exomes 0.00006 and 0.00003; ExAC 0.00004; TOPMed 0.00005.
gnomAD v4.1: 51 of 1,604,310 alleles (0.0032%); highest among the groups gnomAD compares: Admixed American, 0.035%; no homozygotes.

Submissions (5):

PreventionGenetics, part of Exact Sciences
Classification: Uncertain significance for NPHP4-related condition. Last evaluated: 2026-08-07. Review status: criteria provided, single submitter. Criteria: ACMG Guidelines, 2015. Collection method: clinical testing. Allele origin: germline.
Comment: The NPHP4 c.73C>T variant is predicted to result in premature protein termination (p.Arg25*). In an alternative transcript, NM_001291593, this variant is predicted to result in a nonsense variant, p.Arg25*. To our knowledge, this variant has not been reported in the literature. This variant is reported in 0.040% of alleles in individuals of Latino descent in gnomAD. At this time, the clinical significance of this variant is uncertain due to the absence of conclusive functional and genetic evidence.

Fulgent Genetics
Classification: Uncertain significance for Nephronophthisis 4; Senior-Loken syndrome 4. Last evaluated: 2024-01-22. Review status: criteria provided, single submitter. Criteria: ACMG Guidelines, 2015. Collection method: clinical testing. Allele origin: germline.

Ambry Genetics
Classification: Uncertain significance for Inborn genetic diseases. Last evaluated: 2023-11-27. Review status: criteria provided, single submitter. Criteria: Ambry Variant Classification Scheme 2023. Collection method: clinical testing. Allele origin: germline.

Labcorp Genetics (formerly Invitae), Labcorp
Classification: Uncertain significance for Nephronophthisis. Last evaluated: 2023-10-03. Review status: criteria provided, single submitter. Criteria: Invitae Variant Classification Sherloc (09022015). Collection method: clinical testing. Allele origin: germline.
Comment: This sequence change replaces serine, which is neutral and polar, with leucine, which is neutral and non-polar, at codon 480 of the NPHP4 protein (p.Ser480Leu). This variant is present in population databases (rs762305544, gnomAD 0.04%). This variant has not been reported in the literature in individuals affected with NPHP4-related conditions. ClinVar contains an entry for this variant (Variation ID: 1472709). An algorithm developed to predict the effect of missense changes on protein structure and function (PolyPhen-2) suggests that this variant¬†is likely to be tolerated. In summary, the available evidence is currently insufficient to determine the role of this variant in disease. Therefore, it has been classified as a Variant of Uncertain Significance.

Blueprint Genetics
Classification: Uncertain significance. Last evaluated: 2021-09-13. Review status: criteria provided, single submitter. Criteria: ACMG Guidelines, 2015. Collection method: clinical testing. Allele origin: germline.